The following is an entry in ClinVar:

ClinVar aggregate classification (germline): Uncertain significance (1 of 4 stars; one submission).

Conditions:
Hypoplastic left heart syndrome. Also called: Hypoplastic left heart; Hypoplastic left ventricle. Identifiers: Orphanet 2248, MedGen C0152101, MONDO:0004933, HP:0004383.

Submission:

Labcorp Genetics (formerly Invitae), Labcorp
Classification: Uncertain significance for Hypoplastic left heart syndrome. Last evaluated: 2025-04-08. Review status: criteria provided, single submitter. Criteria: Invitae Variant Classification Sherloc (09022015). Collection method: clinical testing. Allele origin: germline.
Comment: This sequence change replaces leucine, which is neutral and non-polar, with proline, which is neutral and non-polar, at codon 138 of the HAND1 protein (p.Leu138Pro). This variant is not present in population databases (gnomAD no frequency). This variant has not been reported in the literature in individuals affected with HAND1-related conditions. An algorithm developed to predict the effect of missense changes on protein structure and function (PolyPhen-2) suggests that this variant is likely to be disruptive. Experimental studies have shown that this missense change affects HAND1 function (PMID: 19586923). In summary, the available evidence is currently insufficient to determine the role of this variant in disease. Therefore, it has been classified as a Variant of Uncertain Significance.

Literature cited by the submitters: PubMed 19586923.

NM_004821.3(HAND1):c.413T>C (p.Leu138Pro)

Gene: HAND1 (heart and neural crest derivatives expressed 1; minus strand). Cytogenetic location: 5q33.2.
Variant type: single nucleotide variant.
Coding change: c.413T>C on transcript NM_004821.3 (MANE Select); coding-DNA position 413, T replaced by C.
Protein change: p.Leu138Pro; replaces leucine 138 with proline.
Molecular consequence: missense variant.
Genome position (GRCh38, 1-based): chr5:154,477,596, A>G on the plus strand (T>C on the coding strand, the complement: HAND1 is on the minus strand). VCF-style: chr5-154477596-A-G. GRCh37 (hg19) VCF-style: chr5-153857156-A-G.
Other names: short protein forms L138P.
Identifiers: ClinVar variation 4747476 (VCV004747476.1).